The following is an entry in ClinVar:

ClinVar aggregate classification (germline): Uncertain significance (1 of 4 stars; one submission).

Submission:

Labcorp Genetics (formerly Invitae), Labcorp
Classification: Uncertain significance. Last evaluated: 2022-07-19. Review status: criteria provided, single submitter. Criteria: Invitae Variant Classification Sherloc (09022015). Collection method: clinical testing. Allele origin: germline.
Comment: In summary, the available evidence is currently insufficient to determine the role of this variant in disease. Therefore, it has been classified as a Variant of Uncertain Significance. This variant has not been reported in the literature in individuals affected with RNF43-related conditions. This variant is not present in population databases (gnomAD no frequency). This sequence change creates a premature translational stop signal (p.Asp506Alafs*3) in the RNF43 gene. It is expected to result in an absent or disrupted protein product. However, the current clinical and genetic evidence is not sufficient to establish whether loss-of-function variants in RNF43 cause disease.

NM_017763.6(RNF43):c.1517del (p.Asp506fs)

Gene: RNF43 (ring finger protein 43; minus strand). Cytogenetic location: 17q22.
Variant type: Deletion.
Coding change: c.1517del on transcript NM_017763.6 (MANE Select); coding-DNA position 1517, one base deleted (A; older notation c.1517delA).
Protein change: p.Asp506fs; shifts the reading frame from aspartic acid 506.
Molecular consequence: frameshift variant.
Genome position (GRCh38, 1-based): chr17:58,358,259, T deleted on the plus strand (A on the coding strand, the reverse complement: RNF43 is on the minus strand). VCF-style (leftmost placement, unchanged base first): chr17-58358258-GT-G. GRCh37 (hg19) VCF-style: chr17-56435619-GT-G.
Other names: c.1517delA, p.Asp506Alafs (NM_001305544.3); c.1136delA, p.Asp379Alafs (NM_001305545.2); short protein forms D379fs, D506fs.
Identifiers: ClinVar variation 2095770 (VCV002095770.4), dbSNP rs2509344981, ClinGen allele CA2580094297.